The following is an entry in ClinVar:

ClinVar aggregate classification (germline): Conflicting classifications of pathogenicity. Review status: criteria provided, conflicting classifications (1 of 4 stars). 3 submissions from 3 submitters: Uncertain significance (2); Likely benign (1). Last evaluated 2025-07-08.

Conditions:
Pulmonary fibrosis and/or bone marrow failure, Telomere-related, 3. Also called: PULMONARY FIBROSIS AND/OR BONE MARROW FAILURE SYNDROME, TELOMERE-RELATED, 3. Identifiers: Orphanet 2032, MedGen C4225346, MONDO:0014613, OMIM 616373.
Dyskeratosis congenita, autosomal recessive 5 (DKCB5). Identifiers: MedGen C3554656, MONDO:0014076, OMIM 615190.
Inborn genetic diseases. Identifiers: MedGen C0950123, MeSH D030342.

Allele frequency attached by ClinVar (database versions not stated): TOPMed below 0.00001.

Submissions (3):

GeneDx
Classification: Uncertain significance. Last evaluated: 2025-07-08. Review status: criteria provided, single submitter. Criteria: GeneDx Variant Classification Process June 2021. Collection method: clinical testing. Allele origin: germline. Affected: yes.
Comment: Not observed at significant frequency in large population cohorts (gnomAD); Has not been previously published as pathogenic or benign to our knowledge; In silico analysis is inconclusive as to whether the variant alters gene splicing. In the absence of RNA/functional studies, the actual effect of this sequence change is unknown.

Ambry Genetics
Classification: Uncertain significance for Inborn genetic diseases. Last evaluated: 2024-09-17. Review status: criteria provided, single submitter. Criteria: Ambry Variant Classification Scheme 2023. Collection method: clinical testing. Allele origin: germline.
Comment: The c.302-19C>A intronic alteration results from a C to A substitution 19 nucleotides before exon 4 (coding exon 3) of the RTEL1 gene. This variant was not reported in population-based cohorts in the Genome Aggregation Database (gnomAD). This nucleotide position is not well conserved in available vertebrate species. RNA studies have demonstrated that this alteration results in a splice defect; the clinical impact of this abnormal splicing is unknown at this time (Ambry internal data). In silico splice site analysis predicts that this alteration may weaken the native splice acceptor site. Based on insufficient or conflicting evidence, the clinical significance of this alteration remains unclear.

Labcorp Genetics (formerly Invitae), Labcorp
Classification: Likely benign for Dyskeratosis congenita, autosomal recessive 5; Pulmonary fibrosis and/or bone marrow failure, Telomere-related, 3. Last evaluated: 2024-02-05. Review status: criteria provided, single submitter. Criteria: Invitae Variant Classification Sherloc (09022015). Collection method: clinical testing. Allele origin: germline.

NM_001283009.2(RTEL1):c.302-19C>A

Genes: RTEL1 (regulator of telomere elongation helicase 1; plus strand), RTEL1-TNFRSF6B (RTEL1-TNFRSF6B readthrough (NMD candidate); plus strand). Cytogenetic location: 20q13.33.
Variant type: single nucleotide variant.
Coding change: c.302-19C>A on transcript NM_001283009.2 (MANE Select); 19 bases into the intron before coding-DNA position 302, C replaced by A.
Molecular consequence: intron variant.
Genome position (GRCh38, 1-based): chr20:63,661,831, C>A. VCF-style: chr20-63661831-C-A. GRCh37 (hg19) VCF-style: chr20-62293184-C-A.
Other names: c.302-19C>A (NM_032957.4, NM_032957.5, NM_016434.4); c.-368-19C>A (NM_001283010.1).
Identifiers: ClinVar variation 1943898 (VCV001943898.7), dbSNP rs2090026473, ClinGen allele CA2374914918.